The following is an entry in ClinVar:

ClinVar aggregate classification (germline): Uncertain significance (1 of 4 stars; one submission).

gnomAD v4.1: 1 of 1,601,370 alleles (0.000062%); highest among the groups gnomAD compares: Non-Finnish European, 0.000086%; no homozygotes.

Submission:

Labcorp Genetics (formerly Invitae), Labcorp
Classification: Uncertain significance. Last evaluated: 2024-10-25. Review status: criteria provided, single submitter. Criteria: Invitae Variant Classification Sherloc (09022015). Collection method: clinical testing. Allele origin: germline.
Comment: This sequence change replaces serine, which is neutral and polar, with isoleucine, which is neutral and non-polar, at codon 1962 of the CDH23 protein (p.Ser1962Ile). This variant is not present in population databases (gnomAD no frequency). This variant has not been reported in the literature in individuals affected with CDH23-related conditions. ClinVar contains an entry for this variant (Variation ID: 2122116). Invitae Evidence Modeling of protein sequence and biophysical properties (such as structural, functional, and spatial information, amino acid conservation, physicochemical variation, residue mobility, and thermodynamic stability) has been performed for this missense variant. However, the output from this modeling did not meet the statistical confidence thresholds required to predict the impact of this variant on CDH23 protein function. In summary, the available evidence is currently insufficient to determine the role of this variant in disease. Therefore, it has been classified as a Variant of Uncertain Significance.

NM_022124.6(CDH23):c.5885G>T (p.Ser1962Ile)

Gene: CDH23 (cadherin related 23; plus strand). Cytogenetic location: 10q22.1.
Variant type: single nucleotide variant.
Coding change: c.5885G>T on transcript NM_022124.6 (MANE Select); coding-DNA position 5885, G replaced by T.
Protein change: p.Ser1962Ile; replaces serine 1962 with isoleucine.
Molecular consequence: missense variant.
Genome position (GRCh38, 1-based): chr10:71,789,004, G>T. VCF-style: chr10-71789004-G-T. GRCh37 (hg19) VCF-style: chr10-73548761-G-T.
Other names: short protein forms S1962I.
Identifiers: ClinVar variation 2122116 (VCV002122116.4), dbSNP rs2494369754, ClinGen allele CA377149720.
Genomic context (GRCh38, chr10:71,789,004, plus strand): 5'-ATGACTTGCTTCTGATCTTCCTTTCTGATGAGAATGACAACCACCCCCTCTTCACTAAAA[G>T]CACCTACCAGGCAGAGGTGATGGAAAACTCTCCCGCTGGTAGGTGCTGGGCCCACCCGGG-3'
Protein context (NP_071407.4, residues 1952-1972): ENDNHPLFTK[Ser1962Ile]TYQAEVMENS